The following is an entry in ClinVar:

ClinVar aggregate classification (germline): Pathogenic/Likely pathogenic. Review status: criteria provided, multiple submitters, no conflicts (2 of 4 stars). 5 submissions from 5 submitters: Pathogenic (1); Likely pathogenic (2). 2 of the submissions do not count toward it. Last evaluated 2026-03-10.

Conditions:
Pseudoachondroplasia, severe.
Pseudoachondroplastic spondyloepiphyseal dysplasia syndrome (PSACH). Also called: COMP-Related Pseudoachondroplasia; PSEUDOACHONDROPLASTIC DYSPLASIA; Pseudoachondroplasia. Identifiers: Orphanet 750, MedGen C0410538, MONDO:0008322, OMIM 177170.
Multiple epiphyseal dysplasia type 1. Also called: COMP-Related Multiple Epiphyseal Dysplasia. Identifiers: Orphanet 93308, MedGen C1838280, MONDO:0007561, OMIM 132400.

Submissions (5):

Clinical Biomedical Laboratory, Shriners Hospital For Children - Canada
Classification: Likely pathogenic for Pseudoachondroplastic spondyloepiphyseal dysplasia syndrome. Last evaluated: 2026-03-10. Review status: criteria provided, single submitter. Criteria: ACMG Guidelines, 2015. Collection method: clinical testing. Allele origin: germline. Affected: yes.
Comment: This variant is absent from the Genome Aggregation Database v.2.1.1. This variant has been reported in the literature (PMID: 11746044) as a cause of pseudoachondroplasia. Computational tools: (SIFT = 0, damaging; Polyphen-2 = 1.0, detrimental; PhyloP = 7.6 conserved) suggest that the amino acid is conserved and that the change is detrimental to protein function. Based on the ACMG variant interpretation guidelines, the available evidence supports classification of this variant as likely pathogenic.

Genomic Medicine Center of Excellence, King Faisal Specialist Hospital and Research Centre
Classification: Pathogenic for Multiple epiphyseal dysplasia type 1. Last evaluated: 2024-03-25. Review status: criteria provided, single submitter. Criteria: ACMG Guidelines, 2015. Collection method: clinical testing. Allele origin: germline.

AiLife Diagnostics
Classification: Likely pathogenic. Last evaluated: 2021-07-18. Review status: criteria provided, single submitter. Criteria: ACMG Guidelines, 2015. Collection method: clinical testing. Allele origin: germline. Affected: yes. Observed: 1 variant allele.

OMIM
Classification: Pathogenic for PSEUDOACHONDROPLASIA, SEVERE. Last evaluated: 2001-11-22. Review status: no assertion criteria provided. Collection method: literature only. Allele origin: germline. Not counted in ClinVar's aggregate classification.

GeneReviews
No classification provided. Condition: Pseudoachondroplastic spondyloepiphyseal dysplasia syndrome. Review status: no classification provided. Collection method: literature only. Allele origin: germline. Not counted in ClinVar's aggregate classification.

Literature cited by the submitters: PubMed 11746044 (cited by 3 submitters); PubMed 17394206 (cited by AiLife Diagnostics).

NM_000095.3(COMP):c.2156G>A (p.Gly719Asp)

Gene: COMP (cartilage oligomeric matrix protein; minus strand). Cytogenetic location: 19p13.11.
Variant type: single nucleotide variant.
Coding change: c.2156G>A on transcript NM_000095.3 (MANE Select); coding-DNA position 2156, G replaced by A.
Protein change: p.Gly719Asp; replaces glycine 719 with aspartic acid.
Molecular consequence: missense variant.
Genome position (GRCh38, 1-based): chr19:18,783,125, C>T on the plus strand (G>A on the coding strand, the complement: COMP is on the minus strand). VCF-style: chr19-18783125-C-T. GRCh37 (hg19) VCF-style: chr19-18893935-C-T.
Other names: short protein forms G719D.
Identifiers: ClinVar variation 9194 (VCV000009194.6), dbSNP rs137852655, ClinGen allele CA120170.